The following is an entry in ClinVar:

NM_001148.6(ANK2):c.11694+4T>C

Gene: ANK2 (ankyrin 2; plus strand). Cytogenetic location: 4q26.
Variant type: single nucleotide variant.
Coding change: c.11694+4T>C on transcript NM_001148.6 (MANE Select); 4 bases into the intron after coding-DNA position 11694, T replaced by C.
Molecular consequence: intron variant.
Genome position (GRCh38, 1-based): chr4:113,373,177, T>C. VCF-style: chr4-113373177-T-C. GRCh37 (hg19) VCF-style: chr4-114294333-T-C.
Other names: c.5424+4T>C (NM_001386186.2, NM_001386148.2); c.5226+4T>C (NM_001354269.3); c.5304+4T>C (NM_001386187.2); c.5265+4T>C (NM_001386147.1); c.5283+4T>C (NM_001386160.1); c.5388+4T>C (NM_001354254.2); c.5502+4T>C (NM_001354239.2); c.5409+4T>C (NM_001354252.2); and 44 more.
Identifiers: ClinVar variation 4051051 (VCV004051051.1).

ClinVar aggregate classification (germline): Uncertain significance (1 of 4 stars; one submission).

Conditions:
Cardiovascular phenotype. Identifiers: MedGen CN230736.

gnomAD v4.1: 2 of 1,613,660 alleles (0.00012%); highest among the groups gnomAD compares: African/African-American, 0.0013%; no homozygotes.

Submission:

Ambry Genetics
Classification: Uncertain significance for Cardiovascular phenotype. Last evaluated: 2025-05-08. Review status: criteria provided, single submitter. Criteria: Ambry Variant Classification Scheme 2023. Collection method: clinical testing. Allele origin: germline.
Comment: The c.11694+4T>C intronic variant results from a T to C substitution 4 nucleotides after coding exon 44 in the ANK2 gene. This nucleotide position is not well conserved in available vertebrate species. In silico splice site analysis predicts that this alteration will not have any significant effect on splicing. Based on the available evidence, the clinical significance of this variant remains unclear.